The following is an entry in ClinVar:

NM_000394.4(CRYAA):c.213C>T (p.Phe71=)

Gene: CRYAA (crystallin alpha A; plus strand). Cytogenetic location: 21q22.3.
Variant type: single nucleotide variant.
Coding change: c.213C>T on transcript NM_000394.4 (MANE Select); coding-DNA position 213, C replaced by T.
Protein change: p.Phe71=; no amino-acid change (phenylalanine 71 retained).
Molecular consequence: synonymous variant.
Genome position (GRCh38, 1-based): chr21:43,170,540, C>T. VCF-style: chr21-43170540-C-T. GRCh37 (hg19) VCF-style: chr21-44590650-C-T.
Other names: c.102C>T, p.Phe34= (NM_001363766.1); c.213C>T (NM_000394.3).
Identifiers: ClinVar variation 2188237 (VCV002188237.5), dbSNP rs61735855, ClinGen allele CA321169159.

ClinVar aggregate classification (germline): Benign. Review status: criteria provided, single submitter (1 of 4 stars). 2 submissions from 2 submitters: Benign (1). 1 of the submissions does not count toward it. Last evaluated 2025-12-24.

Conditions:
CRYAA-related disorder. Also called: CRYAA-related condition.
Cataract 9 multiple types. Also called: Cataract 9, multiple types, with or without microcornea; Cataract, autosomal recessive congenital 1. Identifiers: Orphanet 1377, MedGen C1858679, MONDO:0011413, OMIM 604219.

Allele frequency attached by ClinVar (database versions not stated): gnomAD exomes 0.00018; ExAC 0.00039; ESP Exome Variant Server 0.00092; 1000 Genomes Project 0.00160.

Submissions (2):

Labcorp Genetics (formerly Invitae), Labcorp
Classification: Benign for Cataract 9 multiple types. Last evaluated: 2025-12-24. Review status: criteria provided, single submitter. Criteria: Invitae Variant Classification Sherloc (09022015). Collection method: clinical testing. Allele origin: germline.

PreventionGenetics, part of Exact Sciences
Classification: Likely benign for CRYAA-related condition. Last evaluated: 2024-06-08. Review status: no assertion criteria provided. Collection method: clinical testing. Allele origin: germline. Not counted in ClinVar's aggregate classification.
Comment: This variant is classified as likely benign based on ACMG/AMP sequence variant interpretation guidelines (Richards et al. 2015 PMID: 25741868, with internal and published modifications).